The following is an entry in ClinVar:

NM_001364905.1(LRBA):c.7303T>A (p.Tyr2435Asn)

Gene: LRBA (LPS responsive beige-like anchor protein; minus strand). Cytogenetic location: 4q31.3.
Variant type: single nucleotide variant.
Coding change: c.7303T>A on transcript NM_001364905.1 (MANE Select); coding-DNA position 7303, T replaced by A.
Protein change: p.Tyr2435Asn; replaces tyrosine 2435 with asparagine.
Molecular consequence: missense variant.
Genome position (GRCh38, 1-based): chr4:150,350,051, A>T on the plus strand (T>A on the coding strand, the complement: LRBA is on the minus strand). VCF-style: chr4-150350051-A-T. GRCh37 (hg19) VCF-style: chr4-151271203-A-T.
Other names: c.7303T>A, p.Tyr2435Asn (NM_001199282.3, NM_001367550.1); c.7336T>A, p.Tyr2446Asn (NM_006726.5); short protein forms Y2435N, Y2446N.
Identifiers: ClinVar variation 4070805 (VCV004070805.2).

ClinVar aggregate classification (germline): Uncertain significance (1 of 4 stars; one submission).

Submission:

GeneDx
Classification: Uncertain significance. Last evaluated: 2025-08-22. Review status: criteria provided, single submitter. Criteria: GeneDx Variant Classification Process June 2021. Collection method: clinical testing. Allele origin: germline.
Comment: Not observed at significant frequency in large population cohorts (gnomAD); In silico analysis supports that this missense variant has a deleterious effect on protein structure/function; Has not been previously published as pathogenic or benign to our knowledge